The following is an entry in ClinVar:

NM_001165963.4(SCN1A):c.5489A>T (p.Gln1830Leu)

Genes: SCN1A (sodium voltage-gated channel alpha subunit 1; minus strand), LOC102724058 (uncharacterized LOC102724058; plus strand). Cytogenetic location: 2q24.3.
Variant type: single nucleotide variant.
Coding change: c.5489A>T on transcript NM_001165963.4 (MANE Select); coding-DNA position 5489, A replaced by T.
Protein change: p.Gln1830Leu; replaces glutamine 1830 with leucine.
Molecular consequence: missense variant. On other transcripts: non-coding transcript variant (1).
Genome position (GRCh38, 1-based): chr2:165,991,786, T>A on the plus strand (A>T on the coding strand, the complement: SCN1A is on the minus strand). VCF-style: chr2-165991786-T-A. GRCh37 (hg19) VCF-style: chr2-166848296-T-A.
Other names: c.3047A>T, p.Gln1016Leu (NM_001353961.2); c.5456A>T, p.Gln1819Leu (NM_006920.6, NM_001353949.2, NM_001353950.2 and 2 more transcripts); c.5405A>T, p.Gln1802Leu (NM_001165964.3, NM_001353957.2, NM_001353958.2); c.5489A>T, p.Gln1830Leu (NM_001202435.3, NM_001353948.2); c.5453A>T, p.Gln1818Leu (NM_001353954.2, NM_001353955.2); c.5402A>T, p.Gln1801Leu (NM_001353960.2); short protein forms Q1016L, Q1801L, Q1802L, Q1818L, Q1819L, Q1830L.
Identifiers: ClinVar variation 3389228 (VCV003389228.14).

ClinVar aggregate classification (germline): Uncertain significance (1 of 4 stars; one submission).

gnomAD v4.1: 16 of 1,613,962 alleles (0.00099%); highest among the groups gnomAD compares: Non-Finnish European, 0.0014%; no homozygotes.

Submission:

CeGaT Center for Human Genetics Tuebingen
Classification: Uncertain significance. Last evaluated: 2024-10-01. Review status: criteria provided, single submitter. Criteria: CeGaT Center For Human Genetics Tuebingen Variant Classification Criteria Version 2. Collection method: clinical testing. Allele origin: germline. Affected: yes. Observed: 1 variant allele.
Comment: SCN1A: PM1